The following is an entry in ClinVar:

NM_001184.4(ATR):c.1439G>T (p.Ser480Ile)

Gene: ATR (ATR checkpoint kinase; minus strand). Cytogenetic location: 3q23.
Variant type: single nucleotide variant.
Coding change: c.1439G>T on transcript NM_001184.4 (MANE Select); coding-DNA position 1439, G replaced by T.
Protein change: p.Ser480Ile; replaces serine 480 with isoleucine.
Molecular consequence: missense variant. On other transcripts: intron variant (1).
Genome position (GRCh38, 1-based): chr3:142,560,365, C>A on the plus strand (G>T on the coding strand, the complement: ATR is on the minus strand). VCF-style: chr3-142560365-C-A. GRCh37 (hg19) VCF-style: chr3-142279207-C-A.
Other names: c.1349+878G>T (NM_001354579.2); short protein forms S480I.
Identifiers: ClinVar variation 901183 (VCV000901183.14), dbSNP rs750056135, ClinGen allele CA2650595.

ClinVar aggregate classification (germline): Uncertain significance. Review status: criteria provided, multiple submitters, no conflicts (2 of 4 stars). 5 submissions from 4 submitters: Uncertain significance (5). Last evaluated 2024-10-30.

Conditions:
Inborn genetic diseases. Identifiers: MedGen C0950123, MeSH D030342.
Seckel syndrome 1 (SCKL1). Also called: MICROCEPHALIC PRIMORDIAL DWARFISM I. Identifiers: Orphanet 808, MedGen C4551474, MONDO:0008869, OMIM 210600.
Familial cutaneous telangiectasia and oropharyngeal predisposition cancer syndrome. Identifiers: Orphanet 313846, MedGen C3281203, MONDO:0013806, OMIM 614564.

Allele frequency attached by ClinVar (database versions not stated): ExAC 0.00001; gnomAD exomes 0.00001.
gnomAD v4.1: 6 of 1,613,844 alleles (0.00037%); highest among the groups gnomAD compares: East Asian, 0.013%; no homozygotes.

Submissions (5):

Labcorp Genetics (formerly Invitae), Labcorp
Classification: Uncertain significance. Last evaluated: 2024-10-30. Review status: criteria provided, single submitter. Criteria: Invitae Variant Classification Sherloc (09022015). Collection method: clinical testing. Allele origin: germline.
Comment: This sequence change replaces serine, which is neutral and polar, with isoleucine, which is neutral and non-polar, at codon 480 of the ATR protein (p.Ser480Ile). This variant is present in population databases (rs750056135, gnomAD 0.01%). This variant has not been reported in the literature in individuals affected with ATR-related conditions. ClinVar contains an entry for this variant (Variation ID: 901183). An algorithm developed to predict the effect of missense changes on protein structure and function (PolyPhen-2) suggests that this variant is likely to be tolerated. In summary, the available evidence is currently insufficient to determine the role of this variant in disease. Therefore, it has been classified as a Variant of Uncertain Significance.

Ambry Genetics
Classification: Uncertain significance for Inborn genetic diseases. Last evaluated: 2023-11-04. Review status: criteria provided, single submitter. Criteria: Ambry Variant Classification Scheme 2023. Collection method: clinical testing. Allele origin: germline.
Comment: The p.S480I variant (also known as c.1439G>T), located in coding exon 6 of the ATR gene, results from a G to T substitution at nucleotide position 1439. The serine at codon 480 is replaced by isoleucine, an amino acid with dissimilar properties. This amino acid position is conserved. In addition, this alteration is predicted to be tolerated by in silico analysis. Since supporting evidence is limited at this time, the clinical significance of this alteration remains unclear.

Genome-Nilou Lab
Classification: Uncertain significance for Seckel syndrome 1. Last evaluated: 2023-02-08. Review status: criteria provided, single submitter. Criteria: ACMG Guidelines, 2015. Collection method: clinical testing. Allele origin: germline.

Genome-Nilou Lab
Classification: Uncertain significance for Familial cutaneous telangiectasia and oropharyngeal predisposition cancer syndrome. Last evaluated: 2023-02-08. Review status: criteria provided, single submitter. Criteria: ACMG Guidelines, 2015. Collection method: clinical testing. Allele origin: germline.

Illumina Laboratory Services, Illumina
Classification: Uncertain significance for Seckel syndrome 1. Last evaluated: 2017-04-27. Review status: criteria provided, single submitter. Criteria: ICSL Variant Classification Criteria 13 December 2019. Collection method: clinical testing. Allele origin: germline.